The following is an entry in ClinVar:

NM_007294.4(BRCA1):c.1756C>T (p.Pro586Ser)

Gene: BRCA1 (BRCA1 DNA repair associated; minus strand). Cytogenetic location: 17q21.31.
Variant type: single nucleotide variant.
Coding change: c.1756C>T on transcript NM_007294.4 (MANE Select); coding-DNA position 1756, C replaced by T.
Protein change: p.Pro586Ser; replaces proline 586 with serine.
Molecular consequence: missense variant. On other transcripts: intron variant (137).
Genome position (GRCh38, 1-based): chr17:43,093,775, G>A on the plus strand (C>T on the coding strand, the complement: BRCA1 is on the minus strand). VCF-style: chr17-43093775-G-A. GRCh37 (hg19) VCF-style: chr17-41245792-G-A.
Other names: c.1756C>T, p.Pro586Ser (NM_001407639.1, NM_001407640.1, NM_001407641.1 and 30 more transcripts); c.1753C>T, p.Pro585Ser (NM_001407644.1, NM_001407645.1, NM_001407860.1 and 22 more transcripts); c.1747C>T, p.Pro583Ser (NM_001407646.1, NM_001407647.1); c.1633C>T, p.Pro545Ser (NM_001407648.1, NM_001407664.1, NM_001407665.1 and 19 more transcripts); c.1630C>T, p.Pro544Ser (NM_001407649.1, NM_001407670.1, NM_001407671.1 and 11 more transcripts); c.1678C>T, p.Pro560Ser (NM_001407653.1, NM_001407654.1, NM_001407655.1 and 4 more transcripts); c.1675C>T, p.Pro559Ser (NM_001407659.1, NM_001407660.1, NM_001407661.1 and 1 more transcripts); c.1615C>T, p.Pro539Ser (NM_001407692.1, NM_001407694.1, NM_001407695.1 and 29 more transcripts); and 40 more; short protein forms P586S, P539S, P474S, P475S, P498S, P515S, P458S, P519S.
Identifiers: ClinVar variation 54342 (VCV000054342.18), dbSNP rs80357153, ClinGen allele CA001146.

ClinVar aggregate classification (germline): Conflicting classifications of pathogenicity. Review status: criteria provided, conflicting classifications (1 of 4 stars). 4 submissions from 4 submitters: Uncertain significance (1); Likely benign (2). 1 of the submissions does not count toward it. Last evaluated 2023-03-23.

Conditions:
Hereditary cancer-predisposing syndrome. Also called: Tumor predisposition; Neoplastic Syndromes, Hereditary; Hereditary Cancer Syndrome; Hereditary neoplastic syndrome. Identifiers: Orphanet 140162, MedGen C0027672, MeSH D009386, MONDO:0015356.
Hereditary breast ovarian cancer syndrome. Also called: Hereditary breast and ovarian cancer syndrome (HBOC); Hereditary breast and ovarian cancer syndrome; Hereditary breast and ovarian cancer; Hereditary breast and/or ovarian cancer syndrome; Breast and ovarian cancer; BRCA1- and BRCA2-Associated Hereditary Breast and Ovarian Cancer. Identifiers: Orphanet 145, MedGen C0677776, MeSH D061325, MONDO:0003582. Disease mechanism: loss of function.
Breast-ovarian cancer, familial, susceptibility to, 1 (BROVCA1). Also called: OVARIAN CANCER, SUSCEPTIBILITY TO; BRCA1 Hereditary Breast and Ovarian Cancer. Identifiers: Orphanet 145, MedGen C2676676, MONDO:0011450, OMIM 604370. Disease mechanism: loss of function.

Submissions (4):

University of Washington Department of Laboratory Medicine, University of Washington
Classification: Likely benign for Hereditary cancer-predisposing syndrome. Last evaluated: 2023-03-23. Review status: criteria provided, single submitter. Criteria: Dines et al. (Genet Med. 2020). Collection method: curation. Allele origin: germline.
Comment: Missense variant in a coldspot region where missense variants are very unlikely to be pathogenic (PMID:31911673).

BRCA1 coldspot (exon 11 using historical exon numbering). Reclassification based on statistical prior probability

Labcorp Genetics (formerly Invitae), Labcorp
Classification: Likely benign for Hereditary breast ovarian cancer syndrome. Last evaluated: 2021-08-23. Review status: criteria provided, single submitter. Criteria: Invitae Variant Classification Sherloc (09022015). Collection method: clinical testing. Allele origin: germline.

Ambry Genetics
Classification: Uncertain significance for Hereditary cancer-predisposing syndrome. Last evaluated: 2018-01-29. Review status: criteria provided, single submitter. Criteria: Ambry Variant Classification Scheme 2023. Collection method: clinical testing. Allele origin: germline.
Comment: The p.P586S variant (also known as c.1756C>T), located in coding exon 9 of the BRCA1 gene, results from a C to T substitution at nucleotide position 1756. The proline at codon 586 is replaced by serine, an amino acid with similar properties. This amino acid position is well conserved in available vertebrate species. In addition, the in silico prediction for this alteration is inconclusive. Since supporting evidence is limited at this time, the clinical significance of this alteration remains unclear.

Breast Cancer Information Core (BIC) (BRCA1)
Classification: Uncertain significance for Breast-ovarian cancer, familial 1. Last evaluated: 2003-12-23. Review status: no assertion criteria provided. Collection method: clinical testing. Allele origin: germline. Affected: yes. Observed: 1 variant allele. Not counted in ClinVar's aggregate classification.